The following is an entry in ClinVar:

ClinVar aggregate classification (germline): Uncertain significance (1 of 4 stars; one submission).

gnomAD v4.1: 2 of 1,613,552 alleles (0.00012%); highest among the groups gnomAD compares: Non-Finnish European, 0.00017%; no homozygotes.

Submission:

Ambry Genetics
Classification: Uncertain significance. Last evaluated: 2021-10-29. Review status: criteria provided, single submitter. Criteria: Ambry Variant Classification Scheme 2023. Collection method: clinical testing. Allele origin: germline.
Comment: The p.E260K variant (also known as c.778G>A), located in coding exon 2 of the TERF2IP gene, results from a G to A substitution at nucleotide position 778. The glutamic acid at codon 260 is replaced by lysine, an amino acid with similar properties. This amino acid position is conserved. In addition, this alteration is predicted to be tolerated by in silico analysis. Since supporting evidence is limited at this time, the clinical significance of this alteration remains unclear.

NM_018975.4(TERF2IP):c.778G>A (p.Glu260Lys)

Gene: TERF2IP (TERF2 interacting protein; plus strand). Cytogenetic location: 16q23.1.
Variant type: single nucleotide variant.
Coding change: c.778G>A on transcript NM_018975.4 (MANE Select); coding-DNA position 778, G replaced by A.
Protein change: p.Glu260Lys; replaces glutamic acid 260 with lysine.
Molecular consequence: missense variant. On other transcripts: non-coding transcript variant (1).
Genome position (GRCh38, 1-based): chr16:75,654,380, G>A. VCF-style: chr16-75654380-G-A. GRCh37 (hg19) VCF-style: chr16-75688278-G-A.
Other names: short protein forms E260K.
Identifiers: ClinVar variation 1760637 (VCV001760637.2), dbSNP rs2082369391, ClinGen allele CA396819302.